The following is an entry in ClinVar:

NM_001374353.1(GLI2):c.3123C>T (p.Asp1041=)

Gene: GLI2 (GLI family zinc finger 2; plus strand). Cytogenetic location: 2q14.2.
Variant type: single nucleotide variant.
Coding change: c.3123C>T on transcript NM_001374353.1 (MANE Select); coding-DNA position 3123, C replaced by T.
Protein change: p.Asp1041=; no amino-acid change (aspartic acid 1041 retained).
Molecular consequence: synonymous variant.
Genome position (GRCh38, 1-based): chr2:120,989,088, C>T. VCF-style: chr2-120989088-C-T. GRCh37 (hg19) VCF-style: chr2-121746664-C-T.
Other names: c.3174C>T, p.Asp1058= (NM_001371271.1, NM_005270.5); c.2748C>T, p.Asp916= (NM_001374354.1).
Identifiers: ClinVar variation 893415 (VCV000893415.7), dbSNP rs773098021, ClinGen allele CA1852325.

ClinVar aggregate classification (germline): Benign/Likely benign. Review status: criteria provided, multiple submitters, no conflicts (2 of 4 stars). 2 submissions from 2 submitters: Benign (1); Likely benign (1). Last evaluated 2023-02-27.

Conditions:
Postaxial polydactyly-anterior pituitary anomalies-facial dysmorphism syndrome. Also called: Culler-Jones syndrome. Identifiers: Orphanet 420584, MedGen C4014479, MONDO:0014369, OMIM 615849.
Holoprosencephaly 9 (HPE9). Also called: HOLOPROSENCEPHALY WITH MICROPHTHALMIA AND FIRST BRANCHIAL ARCH ANOMALIES; PITUITARY ANOMALIES WITH HOLOPROSENCEPHALY-LIKE FEATURES. Identifiers: Orphanet 2162, MedGen C1835819, MONDO:0012563, OMIM 610829.

Allele frequency attached by ClinVar (database versions not stated): gnomAD 0.00001; gnomAD exomes 0.00007 and 0.00009; ExAC 0.00009.
gnomAD v4.1: 133 of 1,612,070 alleles (0.0083%); highest among the groups gnomAD compares: East Asian, 0.29%; no homozygotes.

Submissions (2):

Labcorp Genetics (formerly Invitae), Labcorp
Classification: Benign for Postaxial polydactyly-anterior pituitary anomalies-facial dysmorphism syndrome; Holoprosencephaly 9. Last evaluated: 2023-02-27. Review status: criteria provided, single submitter. Criteria: Invitae Variant Classification Sherloc (09022015). Collection method: clinical testing. Allele origin: germline.

Illumina Laboratory Services, Illumina
Classification: Likely benign for Holoprosencephaly 9. Last evaluated: 2018-01-12. Review status: criteria provided, single submitter. Criteria: ICSL Variant Classification Criteria 13 December 2019. Collection method: clinical testing. Allele origin: germline.
Comment: This variant was observed in the ICSL laboratory as part of a predisposition screen in an ostensibly healthy population. It had not been previously curated by ICSL or reported in the Human Gene Mutation Database (HGMD: prior to June 1st, 2018), and was therefore a candidate for classification through an automated scoring system. Utilizing variant allele frequency, disease prevalence and penetrance estimates, and inheritance mode, an automated score was calculated to assess if this variant is too frequent to cause the disease. Based on the score and internal cut-off values, a variant classified as likely benign is not then subjected to further curation. The score for this variant resulted in a classification of likely benign for this disease.